The following is an entry in ClinVar:

NM_002890.3(RASA1):c.95C>T (p.Ala32Val)

Gene: RASA1 (RAS p21 protein activator 1; plus strand). Cytogenetic location: 5q14.3.
Variant type: single nucleotide variant.
Coding change: c.95C>T on transcript NM_002890.3 (MANE Select); coding-DNA position 95, C replaced by T.
Protein change: p.Ala32Val; replaces alanine 32 with valine.
Molecular consequence: missense variant.
Genome position (GRCh38, 1-based): chr5:87,268,546, C>T. VCF-style: chr5-87268546-C-T. GRCh37 (hg19) VCF-style: chr5-86564363-C-T.
Other names: short protein forms A32V.
Identifiers: ClinVar variation 3430439 (VCV003430439.3).

ClinVar aggregate classification (germline): Uncertain significance. Review status: criteria provided, multiple submitters, no conflicts (2 of 4 stars). 2 submissions from 2 submitters: Uncertain significance (2). Last evaluated 2025-11-12.

Conditions:
Cardiovascular phenotype. Identifiers: MedGen CN230736.
Capillary malformation-arteriovenous malformation syndrome. Also called: Capillary malformation-arteriovenous malformation. Identifiers: Orphanet 137667, MedGen C1842180, MONDO:0012016.

gnomAD v4.1: 32 of 1,601,614 alleles (0.002%); highest among the groups gnomAD compares: Non-Finnish European, 0.0026%; no homozygotes.

Submissions (2):

Labcorp Genetics (formerly Invitae), Labcorp
Classification: Uncertain significance for Capillary malformation-arteriovenous malformation syndrome. Last evaluated: 2025-11-12. Review status: criteria provided, single submitter. Criteria: Invitae Variant Classification Sherloc (09022015). Collection method: clinical testing. Allele origin: germline.
Comment: This sequence change replaces alanine, which is neutral and non-polar, with valine, which is neutral and non-polar, at codon 32 of the RASA1 protein (p.Ala32Val). This variant is present in population databases (no rsID available, gnomAD 0.0009%). This variant has not been reported in the literature in individuals affected with RASA1-related conditions. ClinVar contains an entry for this variant (Variation ID: 3430439). An algorithm developed to predict the effect of missense changes on protein structure and function outputs the following: PolyPhen-2: "Possibly Damaging". The valine amino acid residue is found in multiple mammalian species, which suggests that this missense change does not adversely affect protein function. In summary, the available evidence is currently insufficient to determine the role of this variant in disease. Therefore, it has been classified as a Variant of Uncertain Significance.

Ambry Genetics
Classification: Uncertain significance for Cardiovascular phenotype. Last evaluated: 2024-11-17. Review status: criteria provided, single submitter. Criteria: Ambry Variant Classification Scheme 2023. Collection method: clinical testing. Allele origin: germline.
Comment: The p.A32V variant (also known as c.95C>T), located in coding exon 1 of the RASA1 gene, results from a C to T substitution at nucleotide position 95. The alanine at codon 32 is replaced by valine, an amino acid with similar properties. This amino acid position is conserved. In addition, this alteration is predicted to be tolerated by in silico analysis. Based on the available evidence, the clinical significance of this variant remains unclear.